The following is an entry in ClinVar:

NM_006767.4(LZTR1):c.430T>C (p.Ser144Pro)

Gene: LZTR1 (leucine zipper like post translational regulator 1; plus strand). Cytogenetic location: 22q11.21.
Variant type: single nucleotide variant.
Coding change: c.430T>C on transcript NM_006767.4 (MANE Select); coding-DNA position 430, T replaced by C.
Protein change: p.Ser144Pro; replaces serine 144 with proline.
Molecular consequence: missense variant.
Genome position (GRCh38, 1-based): chr22:20,988,039, T>C. VCF-style: chr22-20988039-T-C. GRCh37 (hg19) VCF-style: chr22-21342328-T-C.
Other names: short protein forms S144P.
Identifiers: ClinVar variation 4685180 (VCV004685180.1).

ClinVar aggregate classification (germline): Uncertain significance (1 of 4 stars; one submission).

Submission:

GeneDx
Classification: Uncertain significance. Last evaluated: 2025-07-10. Review status: criteria provided, single submitter. Criteria: GeneDx Variant Classification Process June 2021. Collection method: clinical testing. Allele origin: germline. Affected: yes.
Comment: Not observed at significant frequency in large population cohorts (gnomAD); In silico analysis supports that this missense variant has a deleterious effect on protein structure/function; Has not been previously published as pathogenic or benign to our knowledge